The following is an entry in ClinVar:

NM_201384.3(PLEC):c.12838G>A (p.Val4280Met)

Gene: PLEC (plectin; minus strand). Cytogenetic location: 8q24.3.
Variant type: single nucleotide variant.
Coding change: c.12838G>A on transcript NM_201384.3 (MANE Select); coding-DNA position 12838, G replaced by A.
Protein change: p.Val4280Met; replaces valine 4280 with methionine.
Molecular consequence: missense variant.
Genome position (GRCh38, 1-based): chr8:143,916,983, C>T on the plus strand (G>A on the coding strand, the complement: PLEC is on the minus strand). VCF-style: chr8-143916983-C-T. GRCh37 (hg19) VCF-style: chr8-144991151-C-T.
Other names: c.12919G>A, p.Val4307Met (NM_000445.5); c.12796G>A, p.Val4266Met (NM_201378.4); c.12772G>A, p.Val4258Met (NM_201379.3); c.13249G>A, p.Val4417Met (NM_201380.4); c.12742G>A, p.Val4248Met (NM_201381.3); c.12838G>A, p.Val4280Met (NM_201382.4); c.12850G>A, p.Val4284Met (NM_201383.3); short protein forms V4280M, V4284M, V4258M, V4266M, V4417M, V4248M, V4307M.
Identifiers: ClinVar variation 1403195 (VCV001403195.8), dbSNP rs1408053127, ClinGen allele CA372478498.

ClinVar aggregate classification (germline): Uncertain significance (1 of 4 stars; one submission).

Conditions:
Epidermolysis bullosa simplex 5C, with pyloric atresia (EBS5C). Also called: Epidermolysis bullosa simplex with pyloric atresia; PLEC-Related Epidermolysis Bullosa with Pyloric Atresia; PLEC1-Related Epidermolysis Bullosa with Pyloric Atresia. Identifiers: Orphanet 158684, MedGen C2677349, MONDO:0012807, OMIM 612138.
Epidermolysis bullosa simplex with nail dystrophy (EBS5D). Identifiers: MedGen C4225309, MONDO:0014661, OMIM 616487.
Epidermolysis bullosa simplex 5B, with muscular dystrophy (EBS5B). Also called: Epidermolysis bullosa simplex with muscular dystrophy; EPIDERMOLYSIS BULLOSA SIMPLEX AND LIMB-GIRDLE MUSCULAR DYSTROPHY. Identifiers: Orphanet 257, MedGen C2931072, MONDO:0009181, OMIM 226670.
Autosomal recessive limb-girdle muscular dystrophy type 2Q (LGMDR17). Also called: MUSCULAR DYSTROPHY, LIMB-GIRDLE, AUTOSOMAL RECESSIVE 17. Identifiers: Orphanet 254361, MedGen C3150989, MONDO:0013390, OMIM 613723.
Epidermolysis bullosa simplex, Ogna type (EBS5A). Also called: Pidermolysis bullosa simplex 5A, Ogna type; EPIDERMOLYSIS BULLOSA SIMPLEX 5A, OGNA TYPE. Identifiers: Orphanet 79401, MedGen C0432317, MONDO:0007555, OMIM 131950.

Allele frequency attached by ClinVar (database versions not stated): gnomAD exomes below 0.00001; gnomAD 0.00001.
gnomAD v4.1: 7 of 1,612,696 alleles (0.00043%); highest among the groups gnomAD compares: East Asian, 0.0045%; no homozygotes.

Submission:

Labcorp Genetics (formerly Invitae), Labcorp
Classification: Uncertain significance for Autosomal recessive limb-girdle muscular dystrophy type 2Q; Epidermolysis bullosa simplex, Ogna type; Epidermolysis bullosa simplex with nail dystrophy; Epidermolysis bullosa simplex 5C, with pyloric atresia; Epidermolysis bullosa simplex 5B, with muscular dystrophy. Last evaluated: 2024-10-29. Review status: criteria provided, single submitter. Criteria: Invitae Variant Classification Sherloc (09022015). Collection method: clinical testing. Allele origin: germline.
Comment: This sequence change replaces valine, which is neutral and non-polar, with methionine, which is neutral and non-polar, at codon 4307 of the PLEC protein (p.Val4307Met). The frequency data for this variant in the population databases is considered unreliable, as metrics indicate poor data quality at this position in the gnomAD database. This variant has not been reported in the literature in individuals affected with PLEC-related conditions. ClinVar contains an entry for this variant (Variation ID: 1403195). Invitae Evidence Modeling of protein sequence and biophysical properties (such as structural, functional, and spatial information, amino acid conservation, physicochemical variation, residue mobility, and thermodynamic stability) indicates that this missense variant is not expected to disrupt PLEC protein function with a negative predictive value of 80%. In summary, the available evidence is currently insufficient to determine the role of this variant in disease. Therefore, it has been classified as a Variant of Uncertain Significance.